The following is an entry in ClinVar:

NM_003742.4(ABCB11):c.2256G>A (p.Trp752Ter)

Gene: ABCB11 (ATP binding cassette subfamily B member 11; minus strand). Cytogenetic location: 2q31.1.
Variant type: single nucleotide variant.
Coding change: c.2256G>A on transcript NM_003742.4 (MANE Select); coding-DNA position 2256, G replaced by A.
Protein change: p.Trp752Ter; replaces tryptophan 752 with a stop codon.
Molecular consequence: nonsense.
Genome position (GRCh38, 1-based): chr2:168,958,051, C>T on the plus strand (G>A on the coding strand, the complement: ABCB11 is on the minus strand). VCF-style: chr2-168958051-C-T. GRCh37 (hg19) VCF-style: chr2-169814561-C-T.
Other names: NM_003742.4(ABCB11):c.2256G>A; p.Trp752Ter; c.2256G>A (NM_003742.2); short protein forms W752*.
Identifiers: ClinVar variation 1452809 (VCV001452809.9), dbSNP rs1401892400, ClinGen allele CA349106846.
Genomic context (GRCh38, chr2:168,958,051, plus strand): 5'-ATACAAGGGTGTGACTGTCCCGTTCACAGCTGCACCCACAGACCCTACCAGCATGTAGGG[C>T]CATTCTGGAGCACTGAATTTCAGAATCCTCCTAACTGGGGCAGGTTCAACTTCTTCCTGC-3'

ClinVar aggregate classification (germline): Pathogenic/Likely pathogenic. Review status: criteria provided, multiple submitters, no conflicts (2 of 4 stars). 4 submissions from 4 submitters: Pathogenic (2); Likely pathogenic (2). Last evaluated 2026-07-28.

Conditions:
ABCB11-related disorder. Also called: ABCB11-related condition.
Progressive familial intrahepatic cholestasis type 2. Identifiers: Orphanet 79304, MedGen C3489789, MONDO:0011156, OMIM 601847.

Allele frequency attached by ClinVar (database versions not stated): gnomAD exomes below 0.00001; TOPMed 0.00002.
gnomAD v4.1: 1 of 1,611,140 alleles (0.000062%); highest among the groups gnomAD compares: African/African-American, 0.0013%; no homozygotes.

Submissions (4):

PreventionGenetics, part of Exact Sciences
Classification: Pathogenic for ABCB11-related condition. Last evaluated: 2026-07-28. Review status: criteria provided, single submitter. Criteria: ACMG Guidelines, 2015. Collection method: clinical testing. Allele origin: germline.
Comment: The ABCB11 c.2256G>A variant is predicted to result in premature protein termination (p.Trp752*). To our knowledge, this variant has not been reported in the literature. This variant is reported in 0.0065% of alleles in individuals of African descent in gnomAD. Nonsense variants in ABCB11 are expected to be pathogenic. This variant is interpreted as pathogenic.

Natera, Inc.
Classification: Likely pathogenic for Progressive familial intrahepatic cholestasis type 2. Last evaluated: 2025-08-05. Review status: criteria provided, single submitter. Criteria: Natera Variant Classification Schema (03/2026). Collection method: clinical testing. Allele origin: germline.
Comment: The c.2256G>A variant in ABCB11 is a nonsense variant predicted to introduce a stop codon at amino acid 752. This variant is expected to result in nonsense mediated decay, truncation, or a dysfunctional protein product. This variant is rare in the general population with a frequency below the threshold expected for the associated phenotype(s). Given the available evidence, this variant is classified as Likely Pathogenic.

Broad Center for Mendelian Genomics, Broad Institute of MIT and Harvard
Classification: Likely pathogenic for Progressive familial intrahepatic cholestasis type 2. Last evaluated: 2025-01-24. Review status: criteria provided, single submitter. Criteria: ACMG Guidelines, 2015. Collection method: curation. Allele origin: germline. Inheritance: Autosomal recessive inheritance.
Comment: The p.Trp752Ter variant in ABCB11 has not been previously reported in the literature in individuals with BSEP deficiency, but has been identified in 0.001% (1/74672) of African/African American chromosomes by the Genome Aggregation Database (gnomAD; dbSNP rs1401892400). Although this variant has been seen in the general population in a heterozygous state, its frequency is low enough to be consistent with a recessive carrier frequency. This variant has also been reported in ClinVar (Variation ID: 1452809) and has been interpreted as pathogenic by Invitae. This nonsense variant leads to a premature termination codon at position 752, which is predicted to lead to a truncated or absent protein. Loss of function of the ABCB11 gene is an established disease mechanism in autosomal recessive BSEP deficiency. In summary, although additional studies are required to fully establish its clinical significance, this variant is likely pathogenic for autosomal recessive BSEP deficiency. ACMG/AMP Criteria applied: PVS1, PM2_supporting (Richards 2015).

Labcorp Genetics (formerly Invitae), Labcorp
Classification: Pathogenic. Last evaluated: 2023-11-17. Review status: criteria provided, single submitter. Criteria: Invitae Variant Classification Sherloc (09022015). Collection method: clinical testing. Allele origin: germline.
Comment: This sequence change creates a premature translational stop signal (p.Trp752*) in the ABCB11 gene. It is expected to result in an absent or disrupted protein product. Loss-of-function variants in ABCB11 are known to be pathogenic (PMID: 18395098, 20232290). This variant is present in population databases (no rsID available, gnomAD 0.007%). This variant has not been reported in the literature in individuals affected with ABCB11-related conditions. ClinVar contains an entry for this variant (Variation ID: 1452809). Algorithms developed to predict the effect of sequence changes on RNA splicing suggest that this variant may disrupt the consensus splice site. For these reasons, this variant has been classified as Pathogenic.

Literature cited by the submitters: PubMed 18395098 (cited by Labcorp Genetics (formerly Invitae), Labcorp); PubMed 20232290 (cited by Labcorp Genetics (formerly Invitae), Labcorp).